The following is an entry in ClinVar:

NM_000277.3(PAH):c.1011_1024dup (p.Ala342delinsGluThrProTer)

Gene: PAH (phenylalanine hydroxylase; minus strand). Cytogenetic location: 12q23.2.
Variant type: Duplication.
Coding change: c.1011_1024dup on transcript NM_000277.3 (MANE Select); coding-DNA positions 1011 to 1024, 14 bases duplicated (AGACTCCATAAAGG).
Protein change: p.Ala342delinsGluThrProTer.
Molecular consequence: nonsense.
Genome position (GRCh38, 1-based): chr12:102,844,377-102,844,390, CCTTTATGGAGTCT duplicated on the plus strand (AGACTCCATAAAGG on the coding strand, the reverse complement: PAH is on the minus strand); duplicating any 14 consecutive bases within chr12:102,844,377-102,844,394 gives the same sequence; the c. name uses the placement nearest the transcript's 3' end. VCF-style (leftmost placement, unchanged base first): chr12-102844376-G-GCCTTTATGGAGTCT. GRCh37 (hg19) VCF-style: chr12-103238154-G-GCCTTTATGGAGTCT.
Other names: c.1011_1024dup, p.Ala342delinsGluThrProTer (NM_001354304.2).
Identifiers: ClinVar variation 2810221 (VCV002810221.3), dbSNP rs2499615063, ClinGen allele CA2739277285.
Genomic context (GRCh38, chr12:102,844,376, plus strand): 5'-GGTTCCTGTGAAGGTCATACCTGTAATTCACCAAAGGATGACAGGAGCCCAGCACCATAT[G>GCCTTTATGGAGTCT]CCTTTATGGAGTCTCCTTGTTTGCAGAGCCCAAACTCCACAGTAAACCAGTAAATCTGGA-3'

ClinVar aggregate classification (germline): Pathogenic (1 of 4 stars; one submission).

Conditions:
Phenylketonuria (PKU). Also called: FOLLING DISEASE; Phenylketonuria (PKU); OLIGOPHRENIA PHENYLPYRUVICA; Phenylketonurias. Identifiers: Orphanet 716, MedGen C0031485, MONDO:0009861, OMIM 261600. Disease mechanism: loss of function.

Submission:

Labcorp Genetics (formerly Invitae), Labcorp
Classification: Pathogenic for Phenylketonuria. Last evaluated: 2025-04-13. Review status: criteria provided, single submitter. Criteria: Invitae Variant Classification Sherloc (09022015). Collection method: clinical testing. Allele origin: germline.
Comment: This sequence change creates a premature translational stop signal (p.Ala342Glufs*4) in the PAH gene. It is expected to result in an absent or disrupted protein product. Loss-of-function variants in PAH are known to be pathogenic (PMID: 1301187, 9634518). This variant is not present in population databases (gnomAD no frequency). This variant has not been reported in the literature in individuals affected with PAH-related conditions. ClinVar contains an entry for this variant (Variation ID: 2810221). For these reasons, this variant has been classified as Pathogenic.

Literature cited by the submitters: PubMed 1301187; PubMed 9634518.